The following is an entry in ClinVar:

ClinVar aggregate classification (germline): Uncertain significance. Review status: criteria provided, multiple submitters, no conflicts (2 of 4 stars). 3 submissions from 3 submitters: Uncertain significance (3). Last evaluated 2025-09-15.

Conditions:
Familial hypercholesterolemia. Also called: Familial hypercholesterolemias; Familial hypercholesterolaemia. Identifiers: MedGen C0020445, MONDO:0005439.
Hypercholesterolemia, autosomal dominant, 3 (FHCL3). Also called: Familial hypercholesterolemia 3; Familial Hypercholesterolemia, Autosomal Dominant, 3; PCSK9-Related Familial Hypercholesterolemia, Autosomal Dominant. Identifiers: MedGen C1863551, MONDO:0011369, OMIM 603776.

Allele frequency attached by ClinVar (database versions not stated): ExAC 0.00003; gnomAD 0.00003; TOPMed 0.00004; ESP Exome Variant Server 0.00015.
gnomAD v4.1: 40 of 1,613,078 alleles (0.0025%); highest among the groups gnomAD compares: African/African-American, 0.004%; no homozygotes.

Submissions (3):

Color Diagnostics, LLC DBA Color Health
Classification: Uncertain significance for Familial hypercholesterolemia. Last evaluated: 2025-09-15. Review status: criteria provided, single submitter. Criteria: ACMG Guidelines, 2015. Collection method: clinical testing. Allele origin: germline.
Comment: This missense variant replaces valine with methionine at codon 252 of the PCSK9 protein. Computational prediction suggests that this variant may have deleterious impact on protein structure and function. To our knowledge, functional studies have not been reported for this variant. This variant has not been reported in individuals affected with PCSK9-related disorders in the literature. This variant has been identified in 7/280296 chromosomes in the general population by the Genome Aggregation Database (gnomAD). The available evidence is insufficient to determine the role of this variant in disease conclusively. Therefore, this variant is classified as a Variant of Uncertain Significance.

All of Us Research Program, National Institutes of Health
Classification: Uncertain significance for Hypercholesterolemia, autosomal dominant, 3. Last evaluated: 2024-01-11. Review status: criteria provided, single submitter. Criteria: ACMG Guidelines, 2015. Collection method: clinical testing. Allele origin: germline. Inheritance: Autosomal dominant inheritance. Observed: 6 variant alleles, 6 heterozygotes.
Comment: This missense variant replaces valine with methionine at codon 252 of the PCSK9 protein. Computational prediction suggests that this variant may have deleterious impact on protein structure and function (internally defined REVEL score threshold >= 0.7, PMID: 27666373). To our knowledge, functional studies have not been reported for this variant. This variant has not been reported in individuals affected with familial hypercholesterolemia in the literature. This variant has been identified in 7/280296 chromosomes in the general population by the Genome Aggregation Database (gnomAD). The available evidence is insufficient to determine the role of this variant in disease conclusively. Therefore, this variant is classified as a Variant of Uncertain Significance.

This study involves interpretation of variants in research participants for the purpose of population health screening. Participant phenotype was not available at the time of variant classification. Additional details can be found in publication PMID: 35346344, PMCID: PMC8962531

Fulgent Genetics
Classification: Uncertain significance for Hypercholesterolemia, autosomal dominant, 3. Last evaluated: 2021-08-23. Review status: criteria provided, single submitter. Criteria: ACMG Guidelines, 2015. Collection method: clinical testing. Allele origin: unknown.

NM_174936.4(PCSK9):c.754G>A (p.Val252Met)

Gene: PCSK9 (proprotein convertase subtilisin/kexin type 9; plus strand). Cytogenetic location: 1p32.3.
Variant type: single nucleotide variant.
Coding change: c.754G>A on transcript NM_174936.4 (MANE Select); coding-DNA position 754, G replaced by A.
Protein change: p.Val252Met; replaces valine 252 with methionine.
Molecular consequence: missense variant.
Genome position (GRCh38, 1-based): chr1:55,052,746, G>A. VCF-style: chr1-55052746-G-A. GRCh37 (hg19) VCF-style: chr1-55518419-G-A.
Other names: c.877G>A, p.Val293Met (NM_001407240.1); c.754G>A, p.Val252Met (NM_001407241.1, NM_001407244.1, NM_001407247.1); c.757G>A, p.Val253Met (NM_001407242.1); c.697G>A, p.Val233Met (NM_001407243.1); c.562G>A, p.Val188Met (NM_001407245.1); c.379G>A, p.Val127Met (NM_001407246.1); short protein forms V252M, V127M, V233M, V188M, V253M, V293M.
Identifiers: ClinVar variation 920821 (VCV000920821.10), dbSNP rs149139428, ClinGen allele CA871479.
Genomic context (GRCh38, chr1:55,052,746, plus strand): 5'-GGGGTGGTCAGCGGCCGGGATGCCGGCGTGGCCAAGGGTGCCAGCATGCGCAGCCTGCGC[G>A]TGCTCAACTGCCAAGGGAAGGGCACGGTTAGCGGCACCCTCATAGGTAAGTGATGGCCCC-3'
Protein context (NP_777596.2, residues 242-262): AKGASMRSLR[Val252Met]LNCQGKGTVS